The following is an entry in ClinVar:

NM_022124.6(CDH23):c.9010T>G (p.Phe3004Val)

Gene: CDH23 (cadherin related 23; plus strand). Cytogenetic location: 10q22.1.
Variant type: single nucleotide variant.
Coding change: c.9010T>G on transcript NM_022124.6 (MANE Select); coding-DNA position 9010, T replaced by G.
Protein change: p.Phe3004Val; replaces phenylalanine 3004 with valine.
Molecular consequence: missense variant.
Genome position (GRCh38, 1-based): chr10:71,810,502, T>G. VCF-style: chr10-71810502-T-G. GRCh37 (hg19) VCF-style: chr10-73570259-T-G.
Other names: c.2290T>G, p.Phe764Val (NM_001171933.1, NM_001171934.1); short protein forms F764V, F3004V.
Identifiers: ClinVar variation 2094877 (VCV002094877.4), dbSNP rs2494447539, ClinGen allele CA377134019.

ClinVar aggregate classification (germline): Uncertain significance (1 of 4 stars; one submission).

Allele frequency attached by ClinVar (database versions not stated): gnomAD exomes below 0.00001.

Submission:

Labcorp Genetics (formerly Invitae), Labcorp
Classification: Uncertain significance. Last evaluated: 2025-04-28. Review status: criteria provided, single submitter. Criteria: Invitae Variant Classification Sherloc (09022015). Collection method: clinical testing. Allele origin: germline.
Comment: This sequence change replaces phenylalanine, which is neutral and non-polar, with valine, which is neutral and non-polar, at codon 3004 of the CDH23 protein (p.Phe3004Val). This variant is not present in population databases (gnomAD no frequency). This variant has not been reported in the literature in individuals affected with CDH23-related conditions. ClinVar contains an entry for this variant (Variation ID: 2094877). Invitae Evidence Modeling of protein sequence and biophysical properties (such as structural, functional, and spatial information, amino acid conservation, physicochemical variation, residue mobility, and thermodynamic stability) has been performed for this missense variant. However, the output from this modeling did not meet the statistical confidence thresholds required to predict the impact of this variant on CDH23 protein function. In summary, the available evidence is currently insufficient to determine the role of this variant in disease. Therefore, it has been classified as a Variant of Uncertain Significance.